The following is an entry in ClinVar:

NM_052874.5(STX1B):c.262G>T (p.Val88Phe)

Gene: STX1B (syntaxin 1B; minus strand). Cytogenetic location: 16p11.2.
Variant type: single nucleotide variant.
Coding change: c.262G>T on transcript NM_052874.5 (MANE Select); coding-DNA position 262, G replaced by T.
Protein change: p.Val88Phe; replaces valine 88 with phenylalanine.
Molecular consequence: missense variant.
Genome position (GRCh38, 1-based): chr16:31,000,946, C>A on the plus strand (G>T on the coding strand, the complement: STX1B is on the minus strand). VCF-style: chr16-31000946-C-A. GRCh37 (hg19) VCF-style: chr16-31012267-C-A.
Other names: short protein forms V88F.
Identifiers: ClinVar variation 1526342 (VCV001526342.6), dbSNP rs995045434, ClinGen allele CA280575677.

ClinVar aggregate classification (germline): Conflicting classifications of pathogenicity. Review status: criteria provided, conflicting classifications (1 of 4 stars). 4 submissions from 4 submitters: Pathogenic (1); Uncertain significance (3). Last evaluated 2026-09-03.

Conditions:
Generalized epilepsy with febrile seizures plus, type 9 (GEFSP9). Also called: GEFS+, TYPE 9. Identifiers: Orphanet 36387, MedGen C4015395, MONDO:0014517, OMIM 616172.
Seizure. Also called: Seizures. Identifiers: MedGen C0036572, HP:0001250.

Submissions (4):

GeneDx
Classification: Uncertain significance. Last evaluated: 2026-09-03. Review status: criteria provided, single submitter. Criteria: GeneDx Variant Classification Process June 2021. Collection method: clinical testing. Allele origin: germline.
Comment: Not observed at significant frequency in large population cohorts (gnomAD); In silico analysis supports that this missense variant has a deleterious effect on protein structure/function; This variant is associated with the following publications: (PMID: 33144682, 30737342)

Cytogénomique, Hospices Civils de Lyon
Classification: Pathogenic for Seizure. Last evaluated: 2025-11-10. Review status: criteria provided, single submitter. Criteria: ACMG Guidelines, 2015. Collection method: clinical testing. Allele origin: unknown. Affected: yes.

Baylor Genetics
Classification: Uncertain significance for Generalized epilepsy with febrile seizures plus, type 9. Last evaluated: 2024-02-05. Review status: criteria provided, single submitter. Criteria: ACMG Guidelines, 2015. Collection method: clinical testing. Allele origin: unknown.

New York Genome Center
Classification: Uncertain significance for Generalized epilepsy with febrile seizures plus, type 9. Last evaluated: 2022-01-18. Review status: criteria provided, single submitter. Criteria: NYGC Assertion Criteria 2020. Collection method: clinical testing. Allele origin: de novo. Observed: 1 heterozygote. Study: CSER-NYCKidSeq.
Comment: The de novo c.262G>T variant in STX1B is absent from population databases (gnomAD v2.1.1 and v3.1.2,TOPMed Freeze 8) suggesting it is not a common benign variant in the populations represented in those databases. This variant has been reported in the literature in at least one individual with atypical age of seizure onset [PMID:30737342] and additional clinical manifestations such as congenital malformations [PMID: 33144682]. The predicted p.(Val88Phe) variant replaces a highly conserved valine amino acid with phenylalanine within the syntaxin domain of the protein. In silico prediction algorithms are moderately in favor of damaging effect (CADD v1.6= 26.4, REVEL=0.543). Based on available evidence, the de novo c.262G>T variant identified in STX1B is reported as a Variant of Unknown Significance.